The following is an entry in ClinVar:

NM_004733.4(SLC33A1):c.1268T>C (p.Val423Ala)

Gene: SLC33A1 (solute carrier family 33 member 1; minus strand). Cytogenetic location: 3q25.31.
Variant type: single nucleotide variant.
Coding change: c.1268T>C on transcript NM_004733.4 (MANE Select); coding-DNA position 1268, T replaced by C.
Protein change: p.Val423Ala; replaces valine 423 with alanine.
Molecular consequence: missense variant.
Genome position (GRCh38, 1-based): chr3:155,829,902, A>G on the plus strand (T>C on the coding strand, the complement: SLC33A1 is on the minus strand). VCF-style: chr3-155829902-A-G. GRCh37 (hg19) VCF-style: chr3-155547691-A-G.
Other names: c.1268T>C, p.Val423Ala (NM_001190992.2); c.962T>C, p.Val321Ala (NM_001363883.1); c.1268T>C (NM_004733.3); short protein forms V423A, V321A.
Identifiers: ClinVar variation 1928165 (VCV001928165.5), dbSNP rs148470862, ClinGen allele CA2677261.
Genomic context (GRCh38, chr3:155,829,902, plus strand): 5'-AGTGGATCACTAACCTTTGCATTGAAAGCCATTATAGAAACATACATGCTGTACACTGTA[A>G]CCTACGGAAAAATGTAAAACATCTTTAGTATGATTATAAAGCTTATAAAGCTACAGTCTA-3'
Protein context (NP_004724.1, residues 413-433): VVLLSYALHQ[Val423Ala]TVYSMYVSIM

ClinVar aggregate classification (germline): Conflicting classifications of pathogenicity. Review status: criteria provided, conflicting classifications (1 of 4 stars). 3 submissions from 3 submitters: Uncertain significance (2); Likely benign (1). Last evaluated 2025-08-14.

Conditions:
Inborn genetic diseases. Identifiers: MedGen C0950123, MeSH D030342.
Spastic paraplegia. Identifiers: MedGen C0037772, HP:0001258.

Allele frequency attached by ClinVar (database versions not stated): gnomAD exomes 0.00001; ExAC 0.00004; gnomAD 0.00007; TOPMed 0.00007; ESP Exome Variant Server 0.00008; 1000 Genomes Project 0.00040; 1000 Genomes Project 30x 0.00047.

Submissions (3):

Ambry Genetics
Classification: Likely benign for Inborn genetic diseases. Last evaluated: 2025-08-14. Review status: criteria provided, single submitter. Criteria: Ambry Variant Classification Scheme 2023. Collection method: clinical testing. Allele origin: germline.

GeneDx
Classification: Uncertain significance. Last evaluated: 2025-07-23. Review status: criteria provided, single submitter. Criteria: GeneDx Variant Classification Process June 2021. Collection method: clinical testing. Allele origin: germline. Affected: yes.
Comment: In silico analysis supports that this missense variant has a deleterious effect on protein structure/function; Has not been previously published as pathogenic or benign to our knowledge

Labcorp Genetics (formerly Invitae), Labcorp
Classification: Uncertain significance for Spastic paraplegia. Last evaluated: 2022-07-31. Review status: criteria provided, single submitter. Criteria: Invitae Variant Classification Sherloc (09022015). Collection method: clinical testing. Allele origin: germline.
Comment: This sequence change replaces valine, which is neutral and non-polar, with alanine, which is neutral and non-polar, at codon 423 of the SLC33A1 protein (p.Val423Ala). This variant is present in population databases (rs148470862, gnomAD 0.02%). This variant has not been reported in the literature in individuals affected with SLC33A1-related conditions. Algorithms developed to predict the effect of missense changes on protein structure and function are either unavailable or do not agree on the potential impact of this missense change (SIFT: "Deleterious"; PolyPhen-2: "Benign"; Align-GVGD: "Class C15"). In summary, the available evidence is currently insufficient to determine the role of this variant in disease. Therefore, it has been classified as a Variant of Uncertain Significance.